The following is an entry in ClinVar:

NM_006421.5(ARFGEF1):c.1232C>T (p.Pro411Leu)

Gene: ARFGEF1 (ARF guanine nucleotide exchange factor 1; minus strand). Cytogenetic location: 8q13.2.
Variant type: single nucleotide variant.
Coding change: c.1232C>T on transcript NM_006421.5 (MANE Select); coding-DNA position 1232, C replaced by T.
Protein change: p.Pro411Leu; replaces proline 411 with leucine.
Molecular consequence: missense variant. On other transcripts: non-coding transcript variant (1), intron variant (1).
Genome position (GRCh38, 1-based): chr8:67,276,081, G>A on the plus strand (C>T on the coding strand, the complement: ARFGEF1 is on the minus strand). VCF-style: chr8-67276081-G-A. GRCh37 (hg19) VCF-style: chr8-68188316-G-A.
Other names: c.1232C>T, p.Pro411Leu (NM_001413184.1, NM_001413185.1, NM_001413186.1 and 7 more transcripts); c.632C>T, p.Pro211Leu (NM_001413188.1, NM_001413193.1, NM_001413197.1); c.-88-4145C>T (NM_001413196.1); short protein forms P211L, P411L.
Identifiers: ClinVar variation 3369992 (VCV003369992.1).

ClinVar aggregate classification (germline): Uncertain significance (1 of 4 stars; one submission).

gnomAD v4.1: 1 of 1,613,142 alleles (0.000062%); highest among the groups gnomAD compares: African/African-American, 0.0013%; no homozygotes.

Submission:

GeneDx
Classification: Uncertain significance. Last evaluated: 2023-12-23. Review status: criteria provided, single submitter. Criteria: GeneDx Variant Classification Process June 2021. Collection method: clinical testing. Allele origin: germline. Affected: yes.
Comment: Not observed at significant frequency in large population cohorts (gnomAD); In silico analysis supports that this missense variant does not alter protein structure/function; Has not been previously published as pathogenic or benign to our knowledge